The following is an entry in ClinVar:

NM_007294.4(BRCA1):c.4097-11T>G

Gene: BRCA1 (BRCA1 DNA repair associated; minus strand). Cytogenetic location: 17q21.31.
Variant type: single nucleotide variant.
Coding change: c.4097-11T>G on transcript NM_007294.4 (MANE Select); 11 bases into the intron before coding-DNA position 4097, T replaced by G.
Molecular consequence: intron variant.
Genome position (GRCh38, 1-based): chr17:43,091,043, A>C on the plus strand (T>G on the coding strand, the complement: BRCA1 is on the minus strand). VCF-style: chr17-43091043-A-C. GRCh37 (hg19) VCF-style: chr17-41243060-A-C.
Other names: c.647-11T>G (NM_001408458.1, NM_001408469.1, NM_001408453.1 and 11 more transcripts); c.3209-11T>G (NM_001407967.1, NM_001407966.1); c.3716-11T>G (NM_001407959.1, NM_001407963.1, NM_001407960.1); c.3830-11T>G (NM_001407931.1, NM_001407932.1, NM_001407934.1 and 2 more transcripts); c.3953-11T>G (NM_001407747.1, NM_001407848.1, NM_001407839.1 and 20 more transcripts); c.3713-11T>G (NM_001407962.1); c.284-11T>G (NM_001408512.1); c.407-11T>G (NM_001408510.1); and 41 more.
Identifiers: ClinVar variation 749133 (VCV000749133.14), dbSNP rs80358072, ClinGen allele CA915950081.

ClinVar aggregate classification (germline): Conflicting classifications of pathogenicity. Review status: criteria provided, conflicting classifications (1 of 4 stars). 3 submissions from 3 submitters: Uncertain significance (1); Likely benign (2). Last evaluated 2024-12-11.

Conditions:
Hereditary cancer-predisposing syndrome. Also called: Tumor predisposition; Hereditary neoplastic syndrome; Neoplastic Syndromes, Hereditary; Hereditary Cancer Syndrome. Identifiers: Orphanet 140162, MedGen C0027672, MeSH D009386, MONDO:0015356.
Hereditary breast ovarian cancer syndrome. Also called: Hereditary breast and ovarian cancer syndrome (HBOC); BRCA1- and BRCA2-Associated Hereditary Breast and Ovarian Cancer; Hereditary breast and ovarian cancer; Hereditary breast and/or ovarian cancer syndrome; Hereditary breast and ovarian cancer syndrome; Breast and ovarian cancer. Identifiers: Orphanet 145, MedGen C0677776, MeSH D061325, MONDO:0003582. Disease mechanism: loss of function.

Submissions (3):

Women's Health and Genetics/Laboratory Corporation of America, LabCorp
Classification: Likely benign. Last evaluated: 2024-12-11. Review status: criteria provided, single submitter. Criteria: LabCorp Variant Classification Summary - May 2015. Collection method: clinical testing. Allele origin: germline.

Labcorp Genetics (formerly Invitae), Labcorp
Classification: Likely benign for Hereditary breast ovarian cancer syndrome. Last evaluated: 2024-02-09. Review status: criteria provided, single submitter. Criteria: Invitae Variant Classification Sherloc (09022015). Collection method: clinical testing. Allele origin: germline.

Sema4
Classification: Uncertain significance for Hereditary cancer-predisposing syndrome. Last evaluated: 2021-10-31. Review status: criteria provided, single submitter. Criteria: Sema4 Curation Guidelines. Collection method: curation. Allele origin: germline.
Comment: The BRCA1 c.4097-11T>G variant has not been reported in the literature to our knowledge. It was not observed in the large and broad cohorts of the Genome Aggregation Database, but has been reported in ClinVar (Variation ID 749133). The algorithms developed to predict the effect of sequence changes on RNA splicing suggest that the variant may have an impact on splicing, though these predictions have not been confirmed by transcriptional studies. The evidence is insufficient to meet ACMG/AMP criteria for classifying the variant as benign or pathogenic. Thus, the clinical significance of this variant is currently uncertain.